The following is an entry in ClinVar:

ClinVar aggregate classification (germline): Uncertain significance (0 of 4 stars; one submission).

Conditions:
TGM3-related disorder. Also called: TGM3-related condition.

Submission:

PreventionGenetics, part of Exact Sciences
Classification: Uncertain significance for TGM3-related condition. Last evaluated: 2024-09-14. Review status: no assertion criteria provided. Collection method: clinical testing. Allele origin: germline.
Comment: The TGM3 c.877G>T variant is predicted to result in the amino acid substitution p.Val293Leu. To our knowledge, this variant has not been reported in the literature or in a large population database, indicating this variant is rare. At this time, the clinical significance of this variant is uncertain due to the absence of conclusive functional and genetic evidence.

NM_003245.4(TGM3):c.877G>T (p.Val293Leu)

Gene: TGM3 (transglutaminase 3; plus strand). Cytogenetic location: 20p13.
Variant type: single nucleotide variant.
Coding change: c.877G>T on transcript NM_003245.4 (MANE Select); coding-DNA position 877, G replaced by T.
Protein change: p.Val293Leu; replaces valine 293 with leucine.
Molecular consequence: missense variant.
Genome position (GRCh38, 1-based): chr20:2,317,379, G>T. VCF-style: chr20-2317379-G-T. GRCh37 (hg19) VCF-style: chr20-2298025-G-T.
Other names: short protein forms V293L.
Identifiers: ClinVar variation 3346865 (VCV003346865.1).